The following is an entry in ClinVar:

NM_004946.3(DOCK2):c.761+6T>A

Gene: DOCK2 (dedicator of cytokinesis 2; plus strand). Cytogenetic location: 5q35.1.
Variant type: single nucleotide variant.
Coding change: c.761+6T>A on transcript NM_004946.3 (MANE Select); 6 bases into the intron after coding-DNA position 761, T replaced by A.
Molecular consequence: intron variant.
Genome position (GRCh38, 1-based): chr5:169,684,356, T>A. VCF-style: chr5-169684356-T-A. GRCh37 (hg19) VCF-style: chr5-169111360-T-A.
Identifiers: ClinVar variation 2130280 (VCV002130280.4), dbSNP rs2532498966, ClinGen allele CA2580074015.

ClinVar aggregate classification (germline): Uncertain significance (1 of 4 stars; one submission).

Conditions:
DOCK2 deficiency. Also called: Immunodeficiency 40. Identifiers: Orphanet 447737, MedGen C4225328, MONDO:0014637, OMIM 616433.

Submission:

Labcorp Genetics (formerly Invitae), Labcorp
Classification: Uncertain significance for DOCK2 deficiency. Last evaluated: 2025-02-10. Review status: criteria provided, single submitter. Criteria: Invitae Variant Classification Sherloc (09022015). Collection method: clinical testing. Allele origin: germline.
Comment: This sequence change falls in intron 8 of the DOCK2 gene. It does not directly change the encoded amino acid sequence of the DOCK2 protein. It affects a nucleotide within the consensus splice site. This variant is not present in population databases (gnomAD no frequency). This variant has not been reported in the literature in individuals affected with DOCK2-related conditions. ClinVar contains an entry for this variant (Variation ID: 2130280). Variants that disrupt the consensus splice site are a relatively common cause of aberrant splicing (PMID: 17576681, 9536098). Algorithms developed to predict the effect of sequence changes on RNA splicing suggest that this variant is not likely to affect RNA splicing. In summary, the available evidence is currently insufficient to determine the role of this variant in disease. Therefore, it has been classified as a Variant of Uncertain Significance.

Literature cited by the submitters: PubMed 17576681; PubMed 9536098.